The following is an entry in ClinVar:

ClinVar aggregate classification (germline): Benign (1 of 4 stars; one submission).

Conditions:
Cone-rod dystrophy 7 (CORD7). Identifiers: Orphanet 1872, MedGen C1863634, MONDO:0011355, OMIM 603649.

Allele frequency attached by ClinVar (database versions not stated): 1000 Genomes Project 30x 0.44472; gnomAD exomes 0.46279; TOPMed 0.50730; gnomAD 0.52128 and 0.51399; 1000 Genomes Project 0.44329.
gnomAD v4.1: 78,421 of 152,526 alleles (51%); highest among the groups gnomAD compares: African/African-American, 60%; 21,014 homozygotes.

Submission:

Illumina Laboratory Services, Illumina
Classification: Benign for Cone-rod dystrophy 7. Last evaluated: 2018-01-12. Review status: criteria provided, single submitter. Criteria: ICSL Variant Classification Criteria 13 December 2019. Collection method: clinical testing. Allele origin: germline.
Comment: This variant was observed in the ICSL laboratory as part of a predisposition screen in an ostensibly healthy population. It had not been previously curated by ICSL or reported in the Human Gene Mutation Database (HGMD: prior to June 1st, 2018), and was therefore a candidate for classification through an automated scoring system. Utilizing variant allele frequency, disease prevalence and penetrance estimates, and inheritance mode, an automated score was calculated to assess if this variant is too frequent to cause the disease. Based on the score and internal cut-off values, a variant classified as benign is not then subjected to further curation. The score for this variant resulted in a classification of benign for this disease.

NM_014989.7(RIMS1):c.*1038A>G

Gene: RIMS1 (regulating synaptic membrane exocytosis 1; plus strand). Cytogenetic location: 6q13.
Variant type: single nucleotide variant.
Coding change: c.*1038A>G on transcript NM_014989.7 (MANE Select); 1038 bases downstream of the stop codon, A replaced by G.
Molecular consequence: 3 prime UTR variant.
Genome position (GRCh38, 1-based): chr6:72,401,752, A>G. VCF-style: chr6-72401752-A-G. GRCh37 (hg19) VCF-style: chr6-73111454-A-G.
Other names: c.*1038A>G (NM_001168407.2, NM_001168408.2, NM_001168409.2 and 60 more transcripts).
Identifiers: ClinVar variation 357878 (VCV000357878.5), dbSNP rs2815736, ClinGen allele CA10624592.